The following is an entry in ClinVar:

NM_001365276.2(TNXB):c.748C>T (p.Pro250Ser)

Gene: TNXB (tenascin XB; minus strand). Cytogenetic location: 6p21.33.
Variant type: single nucleotide variant.
Coding change: c.748C>T on transcript NM_001365276.2 (MANE Select); coding-DNA position 748, C replaced by T.
Protein change: p.Pro250Ser; replaces proline 250 with serine.
Molecular consequence: missense variant.
Genome position (GRCh38, 1-based): chr6:32,097,105, G>A on the plus strand (C>T on the coding strand, the complement: TNXB is on the minus strand). VCF-style: chr6-32097105-G-A. GRCh37 (hg19) VCF-style: chr6-32064882-G-A.
Other names: c.748C>T, p.Pro250Ser (NM_019105.8); short protein forms P250S.
Identifiers: ClinVar variation 2451176 (VCV002451176.2), dbSNP rs755586396, ClinGen allele CA3735792.

ClinVar aggregate classification (germline): Uncertain significance (1 of 4 stars; one submission).

Conditions:
Cardiovascular phenotype. Identifiers: MedGen CN230736.

Allele frequency attached by ClinVar (database versions not stated): gnomAD exomes below 0.00001; ExAC 0.00001.

Submission:

Ambry Genetics
Classification: Uncertain significance for Cardiovascular phenotype. Last evaluated: 2023-02-11. Review status: criteria provided, single submitter. Criteria: Ambry Variant Classification Scheme 2023. Collection method: clinical testing. Allele origin: germline.
Comment: The p.P250S variant (also known as c.748C>T), located in coding exon 2 of the TNXB gene, results from a C to T substitution at nucleotide position 748. The proline at codon 250 is replaced by serine, an amino acid with similar properties. This amino acid position is conserved. In addition, this alteration is predicted to be tolerated by in silico analysis. Since supporting evidence is limited at this time, the clinical significance of this alteration remains unclear.